The following is an entry in ClinVar:

NM_001082971.2(DDC):c.463G>T (p.Ala155Ser)

Gene: DDC (dopa decarboxylase; minus strand). Cytogenetic location: 7p12.1.
Variant type: single nucleotide variant.
Coding change: c.463G>T on transcript NM_001082971.2 (MANE Select); coding-DNA position 463, G replaced by T.
Protein change: p.Ala155Ser; replaces alanine 155 with serine.
Molecular consequence: missense variant. On other transcripts: intron variant (1).
Genome position (GRCh38, 1-based): chr7:50,529,315, C>A on the plus strand (G>T on the coding strand, the complement: DDC is on the minus strand). VCF-style: chr7-50529315-C-A. GRCh37 (hg19) VCF-style: chr7-50597013-C-A.
Other names: c.463G>T, p.Ala155Ser (NM_000790.4, NM_001242887.2, NM_001242890.2); c.349G>T, p.Ala117Ser (NM_001242886.2); c.229G>T, p.Ala77Ser (NM_001242888.2); c.435+8545G>T (NM_001242889.2); short protein forms A155S, A117S, A77S.
Identifiers: ClinVar variation 1379540 (VCV001379540.3), dbSNP rs754716883, ClinGen allele CA4262360.
Genomic context (GRCh38, chr7:50,529,315, plus strand): 5'-TGAGCTCTGGGGACGCTGCCTGCAGCCGATGGATCACTTTGGTCCGAGCGGCCAGCAGGG[C>A]CACCAGGGTGGCTTCACTGGCACTTCCCTAAATTCAAGAGAAGGTCCAAATGAAATCCCA-3'
Protein context (NP_001076440.2, residues 145-165): QGSASEATLV[Ala155Ser]LLAARTKVIH

ClinVar aggregate classification (germline): Uncertain significance (1 of 4 stars; one submission).

Conditions:
Deficiency of aromatic-L-amino-acid decarboxylase. Also called: Aromatic amino acid decarboxylase deficiency; Aromatic L-Amino Acid Decarboxylase Deficiency; AADC DEFICIENCY; DDC DEFICIENCY; DOPA DECARBOXYLASE DEFICIENCY. Identifiers: Orphanet 35708, MedGen C1291564, MONDO:0012084, OMIM 608643.

Allele frequency attached by ClinVar (database versions not stated): gnomAD exomes below 0.00001; ExAC 0.00001.
gnomAD v4.1: 16 of 1,614,152 alleles (0.00099%); highest among the groups gnomAD compares: Non-Finnish European, 0.0014%; no homozygotes.

Submission:

Labcorp Genetics (formerly Invitae), Labcorp
Classification: Uncertain significance for Deficiency of aromatic-L-amino-acid decarboxylase. Last evaluated: 2022-06-23. Review status: criteria provided, single submitter. Criteria: Invitae Variant Classification Sherloc (09022015). Collection method: clinical testing. Allele origin: germline.
Comment: This sequence change replaces alanine, which is neutral and non-polar, with serine, which is neutral and polar, at codon 155 of the DDC protein (p.Ala155Ser). This variant is present in population databases (rs754716883, gnomAD 0.0009%). This variant has not been reported in the literature in individuals affected with DDC-related conditions. Algorithms developed to predict the effect of missense changes on protein structure and function are either unavailable or do not agree on the potential impact of this missense change (SIFT: "Deleterious"; PolyPhen-2: "Benign"; Align-GVGD: "Class C65"). In summary, the available evidence is currently insufficient to determine the role of this variant in disease. Therefore, it has been classified as a Variant of Uncertain Significance.